The following is an entry in ClinVar:

ClinVar aggregate classification (germline): Uncertain significance (1 of 4 stars; one submission).

Allele frequency attached by ClinVar (database versions not stated): gnomAD exomes below 0.00001; TOPMed below 0.00001.
gnomAD v4.1: 21 of 1,614,192 alleles (0.0013%); highest among the groups gnomAD compares: Non-Finnish European, 0.0018%; no homozygotes.

Submission:

Labcorp Genetics (formerly Invitae), Labcorp
Classification: Uncertain significance. Last evaluated: 2021-10-13. Review status: criteria provided, single submitter. Criteria: Invitae Variant Classification Sherloc (09022015). Collection method: clinical testing. Allele origin: germline.
Comment: This variant has not been reported in the literature in individuals affected with MYO5B-related conditions. This variant is not present in population databases (ExAC no frequency). This sequence change replaces valine with leucine at codon 171 of the MYO5B protein (p.Val171Leu). The valine residue is highly conserved and there is a small physicochemical difference between valine and leucine. Algorithms developed to predict the effect of missense changes on protein structure and function are either unavailable or do not agree on the potential impact of this missense change (SIFT: "Deleterious"; PolyPhen-2: "Probably Damaging"; Align-GVGD: "Class C0"). In summary, the available evidence is currently insufficient to determine the role of this variant in disease. Therefore, it has been classified as a Variant of Uncertain Significance.

NM_001080467.3(MYO5B):c.511G>C (p.Val171Leu)

Gene: MYO5B (myosin VB; minus strand). Cytogenetic location: 18q21.1.
Variant type: single nucleotide variant.
Coding change: c.511G>C on transcript NM_001080467.3 (MANE Select); coding-DNA position 511, G replaced by C.
Protein change: p.Val171Leu; replaces valine 171 with leucine.
Molecular consequence: missense variant.
Genome position (GRCh38, 1-based): chr18:50,001,356, C>G on the plus strand (G>C on the coding strand, the complement: MYO5B is on the minus strand). VCF-style: chr18-50001356-C-G. GRCh37 (hg19) VCF-style: chr18-47527726-C-G.
Other names: short protein forms V171L.
Identifiers: ClinVar variation 1399833 (VCV001399833.4), dbSNP rs1159400084, ClinGen allele CA402439964.